The following is an entry in ClinVar:

ClinVar aggregate classification (germline): Uncertain significance (1 of 4 stars; one submission).

Allele frequency attached by ClinVar (database versions not stated): gnomAD exomes 0.00003; TOPMed 0.00005; gnomAD 0.00010.
gnomAD v4.1: 116 of 1,551,080 alleles (0.0075%); highest among the groups gnomAD compares: Middle Eastern, 0.017%; no homozygotes.

Submission:

Labcorp Genetics (formerly Invitae), Labcorp
Classification: Uncertain significance. Last evaluated: 2022-08-09. Review status: criteria provided, single submitter. Criteria: Invitae Variant Classification Sherloc (09022015). Collection method: clinical testing. Allele origin: germline.
Comment: This sequence change creates a premature translational stop signal (p.Arg17*) in the KPNA7 gene. It is expected to result in an absent or disrupted protein product. However, the current clinical and genetic evidence is not sufficient to establish whether loss-of-function variants in KPNA7 cause disease. This variant is present in population databases (rs746784660, gnomAD 0.01%). This variant has not been reported in the literature in individuals affected with KPNA7-related conditions. ClinVar contains an entry for this variant (Variation ID: 652650). In summary, the available evidence is currently insufficient to determine the role of this variant in disease. Therefore, it has been classified as a Variant of Uncertain Significance.

NM_001145715.3(KPNA7):c.49C>T (p.Arg17Ter)

Gene: KPNA7 (karyopherin subunit alpha 7; minus strand). Cytogenetic location: 7q22.1.
Variant type: single nucleotide variant.
Coding change: c.49C>T on transcript NM_001145715.3 (MANE Select); coding-DNA position 49, C replaced by T.
Protein change: p.Arg17Ter; replaces arginine 17 with a stop codon.
Molecular consequence: nonsense.
Genome position (GRCh38, 1-based): chr7:99,207,418, G>A on the plus strand (C>T on the coding strand, the complement: KPNA7 is on the minus strand). VCF-style: chr7-99207418-G-A. GRCh37 (hg19) VCF-style: chr7-98805041-G-A.
Other names: short protein forms R17*.
Identifiers: ClinVar variation 652650 (VCV000652650.6), dbSNP rs746784660, ClinGen allele CA163748065.